The following is an entry in ClinVar:

NM_004168.4(SDHA):c.1302C>T (p.Gly434=)

Gene: SDHA (succinate dehydrogenase complex flavoprotein subunit A; plus strand). Cytogenetic location: 5p15.33.
Variant type: single nucleotide variant.
Coding change: c.1302C>T on transcript NM_004168.4 (MANE Select); coding-DNA position 1302, C replaced by T.
Protein change: p.Gly434=; no amino-acid change (glycine 434 retained).
Molecular consequence: synonymous variant.
Genome position (GRCh38, 1-based): chr5:236,469, C>T. VCF-style: chr5-236469-C-T. GRCh37 (hg19) VCF-style: chr5-236584-C-T.
Other names: c.1158C>T, p.Gly386= (NM_001294332.2); c.1302C>T, p.Gly434= (NM_001330758.2); c.1302C>T (NM_004168.2).
Identifiers: ClinVar variation 941902 (VCV000941902.12), dbSNP rs1579409486, ClinGen allele CA442692082.

ClinVar aggregate classification (germline): Benign/Likely benign. Review status: criteria provided, multiple submitters, no conflicts (2 of 4 stars). 3 submissions from 3 submitters: Benign (1); Likely benign (2). Last evaluated 2025-11-14.

Conditions:
Hereditary cancer-predisposing syndrome. Also called: Hereditary Cancer Syndrome; Neoplastic Syndromes, Hereditary; Tumor predisposition; Hereditary neoplastic syndrome. Identifiers: Orphanet 140162, MedGen C0027672, MeSH D009386, MONDO:0015356.
Mitochondrial complex II deficiency, nuclear type 1. Also called: SUCCINATE CoQ REDUCTASE DEFICIENCY. Identifiers: Orphanet 3208, MedGen C5700310, MONDO:0100294, OMIM 252011.
Pheochromocytoma/paraganglioma syndrome 5. Also called: Paragangliomas 5; SDHA-Related Hereditary Paraganglioma-Pheochromocytoma Syndrome. Identifiers: Orphanet 29072, MedGen C3279992, MONDO:0013602, OMIM 614165.

Allele frequency attached by ClinVar (database versions not stated): gnomAD exomes below 0.00001.
gnomAD v4.1: 2 of 1,613,940 alleles (0.00012%); highest among the groups gnomAD compares: Non-Finnish European, 0.00017%; no homozygotes.

Submissions (3):

Labcorp Genetics (formerly Invitae), Labcorp
Classification: Likely benign for Pheochromocytoma/paraganglioma syndrome 5; Mitochondrial complex II deficiency, nuclear type 1. Last evaluated: 2025-11-14. Review status: criteria provided, single submitter. Criteria: Invitae Variant Classification Sherloc (09022015). Collection method: clinical testing. Allele origin: germline.

Myriad Genetics, Inc.
Classification: Benign for Pheochromocytoma/paraganglioma syndrome 5. Last evaluated: 2025-03-10. Review status: criteria provided, single submitter. Criteria: Myriad Autosomal Dominant, Autosomal Recessive and X-Linked Classification Criteria (2023). Collection method: clinical testing. Allele origin: unknown.
Comment: This variant is considered benign. This variant is a silent/synonymous amino acid change and it is not expected to impact splicing.

Ambry Genetics
Classification: Likely benign for Hereditary cancer-predisposing syndrome. Last evaluated: 2023-10-15. Review status: criteria provided, single submitter. Criteria: Ambry Variant Classification Scheme 2023. Collection method: clinical testing. Allele origin: germline.